The following is an entry in ClinVar:

NM_198968.4(DZIP1):c.1446G>A (p.Leu482=)

Gene: DZIP1 (DAZ interacting zinc finger protein 1; minus strand). Cytogenetic location: 13q32.1.
Variant type: single nucleotide variant.
Coding change: c.1446G>A on transcript NM_198968.4 (MANE Select); coding-DNA position 1446, G replaced by A.
Protein change: p.Leu482=; no amino-acid change (leucine 482 retained).
Molecular consequence: synonymous variant.
Genome position (GRCh38, 1-based): chr13:95,606,034, C>T on the plus strand (G>A on the coding strand, the complement: DZIP1 is on the minus strand). VCF-style: chr13-95606034-C-T. GRCh37 (hg19) VCF-style: chr13-96258288-C-T.
Other names: c.1389G>A, p.Leu463= (NM_014934.5).
Identifiers: ClinVar variation 4989829 (VCV004989829.1).
Genomic context (GRCh38, chr13:95,606,034, plus strand): 5'-AAAACGCTGAGACTATTACTGAAACTTACCATGCACCATTGGCAGACTTGATTTAGTTTC[C>T]AAAGTGTGCAGGGCTGGGGCATTCACTGAAACAGCATAAAAAGGAAAAACTCAGAGGTTC-3'
Protein context (NP_945319.1, residues 472-492): VPMNAPALHT[Leu482=]ETKSSLPMVH

ClinVar aggregate classification (germline): Likely benign (1 of 4 stars; one submission).

Conditions:
DZIP1-related disorder. Also called: DZIP1-related condition.

Submission:

PreventionGenetics, part of Exact Sciences
Classification: Likely benign for DZIP1-related condition. Last evaluated: 2026-02-06. Review status: criteria provided, single submitter. Criteria: ACMG Guidelines, 2015. Collection method: clinical testing. Allele origin: germline.
Comment: This variant is classified as likely benign based on ACMG/AMP sequence variant interpretation guidelines (Richards et al. 2015 PMID: 25741868, with internal and published modifications).